The following is an entry in ClinVar:

ClinVar aggregate classification (germline): Likely benign (0 of 4 stars; one submission).

Conditions:
HTR2C-related disorder. Also called: HTR2C-related condition.

gnomAD v4.1: 1 of 1,210,778 alleles (0.000083%); highest among the groups gnomAD compares: Non-Finnish European, 0.00011%; no homozygotes.

Submission:

PreventionGenetics, part of Exact Sciences
Classification: Likely benign for HTR2C-related condition. Last evaluated: 2023-03-29. Review status: no assertion criteria provided. Collection method: clinical testing. Allele origin: germline.
Comment: This variant is classified as likely benign based on ACMG/AMP sequence variant interpretation guidelines (Richards et al. 2015 PMID: 25741868, with internal and published modifications).

NM_000868.4(HTR2C):c.1254T>C (p.His418=)

Genes: HTR2C (5-hydroxytryptamine receptor 2C; plus strand), LOC126863306 (MED14-independent group 3 enhancer GRCh37_chrX:114140926-114142125; plus strand). Cytogenetic location: Xq23.
Variant type: single nucleotide variant.
Coding change: c.1254T>C on transcript NM_000868.4 (MANE Select); coding-DNA position 1254, T replaced by C.
Protein change: p.His418=; no amino-acid change (histidine 418 retained).
Molecular consequence: synonymous variant. On other transcripts: 3 prime UTR variant (1).
Genome position (GRCh38, 1-based): chrX:114,907,292, T>C. VCF-style: chrX-114907292-T-C. GRCh37 (hg19) VCF-style: chrX-114141855-T-C.
Other names: c.1254T>C, p.His418= (NM_001256760.3); c.*412T>C (NM_001256761.3).
Identifiers: ClinVar variation 3350710 (VCV003350710.1).